The following is an entry in ClinVar:

ClinVar aggregate classification (germline): Benign. Review status: criteria provided, multiple submitters, no conflicts (2 of 4 stars). 2 submissions from 2 submitters: Benign (2). Last evaluated 2018-01-12.

Conditions:
Stuve-Wiedemann syndrome (STWS). Also called: Stüve-Wiedemann syndrome. Identifiers: Orphanet 3206, MedGen C0796176, MONDO:0031280.

Allele frequency attached by ClinVar (database versions not stated): gnomAD exomes 0.00889; gnomAD 0.03513 and 0.03718; TOPMed 0.03949; 1000 Genomes Project 0.04313; 1000 Genomes Project 30x 0.04544.
gnomAD v4.1: 5,797 of 207,444 alleles (2.8%); highest among the groups gnomAD compares: African/African-American, 12%; 334 homozygotes.

Submissions (2):

Illumina Laboratory Services, Illumina
Classification: Benign for Stüve-Wiedemann syndrome 1. Last evaluated: 2018-01-12. Review status: criteria provided, single submitter. Criteria: ICSL Variant Classification Criteria 13 December 2019. Collection method: clinical testing. Allele origin: germline.
Comment: This variant was observed in the ICSL laboratory as part of a predisposition screen in an ostensibly healthy population. It had not been previously curated by ICSL or reported in the Human Gene Mutation Database (HGMD: prior to June 1st, 2018), and was therefore a candidate for classification through an automated scoring system. Utilizing variant allele frequency, disease prevalence and penetrance estimates, and inheritance mode, an automated score was calculated to assess if this variant is too frequent to cause the disease. Based on the score and internal cut-off values, a variant classified as benign is not then subjected to further curation. The score for this variant resulted in a classification of benign for this disease.

Breakthrough Genomics
Classification: Benign. Review status: criteria provided, single submitter. Criteria: ACMG Guidelines, 2015. Collection method: not provided. Allele origin: germline. Inheritance: Autosomal recessive inheritance. Affected: yes.

NM_001127671.2(LIFR):c.*5225C>T

Gene: LIFR (LIF receptor subunit alpha; minus strand). Cytogenetic location: 5p13.1.
Variant type: single nucleotide variant.
Coding change: c.*5225C>T on transcript NM_001127671.2 (MANE Select); 5225 bases downstream of the stop codon, C replaced by T.
Molecular consequence: 3 prime UTR variant.
Genome position (GRCh38, 1-based): chr5:38,476,370, G>A on the plus strand (C>T on the coding strand, the complement: LIFR is on the minus strand). VCF-style: chr5-38476370-G-A. GRCh37 (hg19) VCF-style: chr5-38476472-G-A.
Other names: c.*5225C>T (NM_001364297.2, NM_001364298.2, NM_002310.6).
Identifiers: ClinVar variation 353536 (VCV000353536.6), dbSNP rs58755763, ClinGen allele CA10624753.